The following is an entry in ClinVar:

ClinVar aggregate classification (germline): Pathogenic (1 of 4 stars; one submission).

Submission:

Labcorp Genetics (formerly Invitae), Labcorp
Classification: Pathogenic. Last evaluated: 2022-10-31. Review status: criteria provided, single submitter. Criteria: Invitae Variant Classification Sherloc (09022015). Collection method: clinical testing. Allele origin: germline.
Comment: This variant is not present in population databases (gnomAD no frequency). This missense change has been observed in individual(s) with clinical features of multicentric carpotarsal osteolysis syndrome (Invitae). In at least one individual the variant was observed to be de novo. Advanced modeling of protein sequence and biophysical properties (such as structural, functional, and spatial information, amino acid conservation, physicochemical variation, residue mobility, and thermodynamic stability) performed at Invitae indicates that this missense variant is not expected to disrupt MAFB protein function. This variant disrupts the p.Pro63 amino acid residue in MAFB. Other variant(s) that disrupt this residue have been determined to be pathogenic (PMID: 23956186, 29675035). This suggests that this residue is clinically significant, and that variants that disrupt this residue are likely to be disease-causing. For these reasons, this variant has been classified as Pathogenic. This sequence change replaces proline, which is neutral and non-polar, with serine, which is neutral and polar, at codon 63 of the MAFB protein (p.Pro63Ser).

Literature cited by the submitters: PubMed 23956186; PubMed 29675035.

NM_005461.5(MAFB):c.187C>T (p.Pro63Ser)

Gene: MAFB (MAF bZIP transcription factor B; minus strand). Cytogenetic location: 20q12.
Variant type: single nucleotide variant.
Coding change: c.187C>T on transcript NM_005461.5 (MANE Select); coding-DNA position 187, C replaced by T.
Protein change: p.Pro63Ser; replaces proline 63 with serine.
Molecular consequence: missense variant.
Genome position (GRCh38, 1-based): chr20:40,688,664, G>A on the plus strand (C>T on the coding strand, the complement: MAFB is on the minus strand). VCF-style: chr20-40688664-G-A. GRCh37 (hg19) VCF-style: chr20-39317304-G-A.
Other names: short protein forms P63S.
Identifiers: ClinVar variation 2031466 (VCV002031466.4), dbSNP rs2515463636, ClinGen allele CA408941713.
Genomic context (GRCh38, chr20:40,688,664, plus strand): 5'-CGAGGTGTGTCTTCTGTTCGGTCGGGCTGAAGCTGGGCGACGAGGGCACGGAGCTACACG[G>A]AGTGCTGAGCGGTGTGGAGGACACCGAGCCGGCTGGCTGCAGGCGTGTGCAGGGCCTGCC-3'
Protein context (NP_005452.2, residues 53-73): GSVSSTPLST[Pro63Ser]CSSVPSSPSF